The following is an entry in ClinVar:

NM_001355436.2(SPTB):c.2889C>A (p.Cys963Ter)

Gene: SPTB (spectrin beta, erythrocytic; minus strand). Cytogenetic location: 14q23.3.
Variant type: single nucleotide variant.
Coding change: c.2889C>A on transcript NM_001355436.2 (MANE Select); coding-DNA position 2889, C replaced by A.
Protein change: p.Cys963Ter; replaces cysteine 963 with a stop codon.
Molecular consequence: nonsense.
Genome position (GRCh38, 1-based): chr14:64,787,076, G>T on the plus strand (C>A on the coding strand, the complement: SPTB is on the minus strand). VCF-style: chr14-64787076-G-T. GRCh37 (hg19) VCF-style: chr14-65253794-G-T.
Other names: c.2889C>A, p.Cys963Ter (NM_001024858.4, NM_001355437.2); short protein forms C963*.
Identifiers: ClinVar variation 2127787 (VCV002127787.4), dbSNP rs762111552, ClinGen allele CA390047688.
Genomic context (GRCh38, chr14:64,787,076, plus strand): 5'-CAGGTCTTTTGTGGACTCCACTACCTTTGTCTTGTCCGTGATCCACTTGCTGGTCTCCTC[G>T]CAATCTACGCAGTAGTTGTGCACTCGGAGGGCTGAGTCCACAGCCTCCCGCCGCTCCGAC-3'

ClinVar aggregate classification (germline): Pathogenic (1 of 4 stars; one submission).

Submission:

Labcorp Genetics (formerly Invitae), Labcorp
Classification: Pathogenic. Last evaluated: 2022-04-18. Review status: criteria provided, single submitter. Criteria: Invitae Variant Classification Sherloc (09022015). Collection method: clinical testing. Allele origin: germline.
Comment: For these reasons, this variant has been classified as Pathogenic. This variant has not been reported in the literature in individuals affected with SPTB-related conditions. This variant is not present in population databases (gnomAD no frequency). This sequence change creates a premature translational stop signal (p.Cys963*) in the SPTB gene. It is expected to result in an absent or disrupted protein product. Loss-of-function variants in SPTB are known to be pathogenic (PMID: 1391962, 1498324, 8844207, 26830532, 27292444).

Literature cited by the submitters: PubMed 1391962; PubMed 1498324; PubMed 8844207; PubMed 26830532; PubMed 27292444.